The following is an entry in ClinVar:

ClinVar aggregate classification (germline): Uncertain significance (1 of 4 stars; one submission).

Conditions:
Congenital neutropenia-myelofibrosis-nephromegaly syndrome. Also called: Severe congenital neutropenia 5, autosomal recessive. Identifiers: Orphanet 369852, MedGen C3809031, MONDO:0014118, OMIM 615285.

Allele frequency attached by ClinVar (database versions not stated): gnomAD exomes below 0.00001; ExAC 0.00001.
gnomAD v4.1: 1 of 1,605,516 alleles (0.000062%); highest among the groups gnomAD compares: South Asian, 0.0011%; no homozygotes.

Submission:

Labcorp Genetics (formerly Invitae), Labcorp
Classification: Uncertain significance for Congenital neutropenia-myelofibrosis-nephromegaly syndrome. Last evaluated: 2021-09-17. Review status: criteria provided, single submitter. Criteria: Invitae Variant Classification Sherloc (09022015). Collection method: clinical testing. Allele origin: germline.
Comment: Algorithms developed to predict the effect of missense changes on protein structure and function (SIFT, PolyPhen-2, Align-GVGD) all suggest that this variant is likely to be tolerated. This variant has not been reported in the literature in individuals affected with VPS45-related conditions. This variant is present in population databases (rs781906938, ExAC 0.006%). This sequence change replaces lysine with arginine at codon 90 of the VPS45 protein (p.Lys90Arg). The lysine residue is highly conserved and there is a small physicochemical difference between lysine and arginine. In summary, the available evidence is currently insufficient to determine the role of this variant in disease. Therefore, it has been classified as a Variant of Uncertain Significance.

NM_007259.5(VPS45):c.269A>G (p.Lys90Arg)

Gene: VPS45 (vacuolar protein sorting 45 homolog; plus strand). Cytogenetic location: 1q21.2.
Variant type: single nucleotide variant.
Coding change: c.269A>G on transcript NM_007259.5 (MANE Select); coding-DNA position 269, A replaced by G.
Protein change: p.Lys90Arg; replaces lysine 90 with arginine.
Molecular consequence: missense variant. On other transcripts: non-coding transcript variant (1).
Genome position (GRCh38, 1-based): chr1:150,072,206, A>G. VCF-style: chr1-150072206-A-G. GRCh37 (hg19) VCF-style: chr1-150044273-A-G.
Other names: c.161A>G, p.Lys54Arg (NM_001279353.2, NM_001279354.2); short protein forms K90R, K54R.
Identifiers: ClinVar variation 1491143 (VCV001491143.6), dbSNP rs781906938, ClinGen allele CA1073085.